The following is an entry in ClinVar:

ClinVar aggregate classification (germline): Pathogenic. Review status: criteria provided, single submitter (1 of 4 stars). 3 submissions from 3 submitters: Pathogenic (1). 2 of the submissions do not count toward it. Last evaluated 2025-03-13.

Conditions:
Intellectual developmental disorder with hypotonia, impaired speech, and dysmorphic facies (IDDHISD). Identifiers: MedGen C5561997, MONDO:0859197, OMIM 619556.
TNPO2-related disorder. Also called: TNPO2-related condition.

Submissions (3):

3billion
Classification: Pathogenic for Intellectual developmental disorder with hypotonia, impaired speech, and dysmorphic facies. Last evaluated: 2025-03-13. Review status: criteria provided, single submitter. Criteria: ACMG Guidelines, 2015. Collection method: clinical testing. Allele origin: germline. Affected: yes.
Comment: The variant is not observed in the gnomAD v4.1.0 dataset. Predicted Consequence/Location: Missense variant. Missense changes are a common disease-causing mechanism. Functional studies provide moderate evidence of the variant having a damaging effect on the gene or gene product (PMID: 34314705). In silico tool predictions suggest damaging effect of the variant on gene or gene product [3Cnet: 0.99 (> 0.75, sensitivity 0.96 and precision 0.92)]. he same nucleotide change resulting in the same amino acid change has been previously reported to be associated with TNPO2-related disorder (ClinVar ID: VCV001299679 / PMID: 34314705). The variant has been previously reported as de novo in a similarly affected individual (PMID: 34314705). A different missense change at the same codon (p.Asp156Tyr) has been reported to be associated with TNPO2-related disorder (ClinVar ID: VCV002225477). Therefore, this variant is classified as Pathogenic according to the recommendation of ACMG/AMP guideline.

PreventionGenetics, part of Exact Sciences
Classification: Pathogenic for TNPO2-related condition. Last evaluated: 2024-07-04. Review status: no assertion criteria provided. Collection method: clinical testing. Allele origin: germline. Not counted in ClinVar's aggregate classification.
Comment: The TNPO2 c.466G>A variant is predicted to result in the amino acid substitution p.Asp156Asn. This variant has been reported de novo in a patient with early infantile developmental and epileptic encephalopathy (EIDEE) (011, D'Gama et al. 2023. PubMed ID: 37596007). Functional studies of TNPO2 activity in Drosophila showed that this variant impacts function via a gain-of-function effects (Goodman et al. 2021. PubMed ID: 34314705. This variant has not been reported in a large population database, indicating this variant is rare. This variant is interpreted as pathogenic.

OMIM
Classification: Pathogenic for INTELLECTUAL DEVELOPMENTAL DISORDER WITH HYPOTONIA, IMPAIRED SPEECH, AND DYSMORPHIC FACIES. Last evaluated: 2021-10-11. Review status: no assertion criteria provided. Collection method: literature only. Allele origin: germline. Not counted in ClinVar's aggregate classification.

Literature cited by the submitters: PubMed 34314705 (cited by 3billion and OMIM).

NM_001382241.1(TNPO2):c.466G>A (p.Asp156Asn)

Gene: TNPO2 (transportin 2; minus strand). Cytogenetic location: 19p13.13.
Variant type: single nucleotide variant.
Coding change: c.466G>A on transcript NM_001382241.1 (MANE Select); coding-DNA position 466, G replaced by A.
Protein change: p.Asp156Asn; replaces aspartic acid 156 with asparagine.
Molecular consequence: missense variant. On other transcripts: non-coding transcript variant (6).
Genome position (GRCh38, 1-based): chr19:12,715,505, C>T on the plus strand (G>A on the coding strand, the complement: TNPO2 is on the minus strand). VCF-style: chr19-12715505-C-T. GRCh37 (hg19) VCF-style: chr19-12826319-C-T.
Other names: c.466G>A, p.Asp156Asn (NM_001136195.2, NM_001136196.2, NM_001382236.1 and 7 more transcripts); short protein forms D156N.
Identifiers: ClinVar variation 1299679 (VCV001299679.3), dbSNP rs2145582779, ClinGen allele CA404251750.